The following is an entry in ClinVar:

NM_017763.6(RNF43):c.528G>C (p.Val176=)

Gene: RNF43 (ring finger protein 43; minus strand). Cytogenetic location: 17q22.
Variant type: single nucleotide variant.
Coding change: c.528G>C on transcript NM_017763.6 (MANE Select); coding-DNA position 528, G replaced by C.
Protein change: p.Val176=; no amino-acid change (valine 176 retained).
Molecular consequence: synonymous variant.
Genome position (GRCh38, 1-based): chr17:58,363,329, C>G on the plus strand (G>C on the coding strand, the complement: RNF43 is on the minus strand). VCF-style: chr17-58363329-C-G. GRCh37 (hg19) VCF-style: chr17-56440690-C-G.
Other names: c.528G>C, p.Val176= (NM_001305544.3); c.147G>C, p.Val49= (NM_001305545.2).
Identifiers: ClinVar variation 2723113 (VCV002723113.5), dbSNP rs756576921, ClinGen allele CA8673393.

ClinVar aggregate classification (germline): Benign/Likely benign. Review status: criteria provided, multiple submitters, no conflicts (2 of 4 stars). 3 submissions from 3 submitters: Benign (1); Likely benign (2). Last evaluated 2026-06-30.

Conditions:
Sessile serrated polyposis cancer syndrome (SSPCS). Identifiers: Orphanet 157798, MedGen C4310714, MONDO:0014919, OMIM 617108.

Allele frequency attached by ClinVar (database versions not stated): ExAC 0.00004; gnomAD exomes 0.00001.
gnomAD v4.1: 13 of 1,614,166 alleles (0.00081%); highest among the groups gnomAD compares: South Asian, 0.014%; no homozygotes.

Submissions (3):

Myriad Genetics, Inc.
Classification: Benign for Sessile serrated polyposis cancer syndrome. Last evaluated: 2026-06-30. Review status: criteria provided, single submitter. Criteria: Myriad Autosomal Dominant, Autosomal Recessive and X-Linked Classification Criteria (2023). Collection method: clinical testing. Allele origin: unknown.
Comment: This variant is considered benign. This variant is a silent/synonymous amino acid change and it is not expected to impact splicing.

Ambry Genetics
Classification: Likely benign. Last evaluated: 2024-12-21. Review status: criteria provided, single submitter. Criteria: Ambry Variant Classification Scheme 2023. Collection method: clinical testing. Allele origin: germline.

Labcorp Genetics (formerly Invitae), Labcorp
Classification: Likely benign. Last evaluated: 2023-08-17. Review status: criteria provided, single submitter. Criteria: Invitae Variant Classification Sherloc (09022015). Collection method: clinical testing. Allele origin: germline.